The following is an entry in ClinVar:

ClinVar aggregate classification (germline): Benign. Review status: criteria provided, multiple submitters, no conflicts (2 of 4 stars). 3 submissions from 3 submitters: Benign (3). Last evaluated 2021-12-05.

Conditions:
Long QT syndrome 11 (LQT11). Identifiers: Orphanet 101016, Orphanet 768, MedGen C2678483, MONDO:0012738, OMIM 611820.

Allele frequency attached by ClinVar (database versions not stated): 1000 Genomes Project 0.36062; gnomAD exomes 0.38557; gnomAD 0.39159; TOPMed 0.40216; ESP Exome Variant Server 0.43050.
gnomAD v4.1: 617,265 of 1,593,902 alleles (39%); highest among the groups gnomAD compares: African/African-American, 47%; 121,548 homozygotes.

Submissions (3):

Genome-Nilou Lab
Classification: Benign for Long QT syndrome 11. Last evaluated: 2021-12-05. Review status: criteria provided, single submitter. Criteria: ACMG Guidelines, 2015. Collection method: clinical testing. Allele origin: germline. Affected: no.

GeneDx
Classification: Benign. Last evaluated: 2018-06-14. Review status: criteria provided, single submitter. Criteria: GeneDx Variant Classification (06012015). Collection method: clinical testing. Allele origin: germline. Affected: yes.
Comment: This variant is considered likely benign or benign based on one or more of the following criteria: it is a conservative change, it occurs at a poorly conserved position in the protein, it is predicted to be benign by multiple in silico algorithms, and/or has population frequency not consistent with disease.

Breakthrough Genomics
Classification: Benign. Review status: criteria provided, single submitter. Criteria: ACMG Guidelines, 2015. Collection method: not provided. Allele origin: germline. Inheritance: Autosomal dominant inheritance. Affected: yes.

NM_005751.5(AKAP9):c.8020-45A>G

Gene: AKAP9 (A-kinase anchoring protein 9; plus strand). Cytogenetic location: 7q21.2.
Variant type: single nucleotide variant.
Coding change: c.8020-45A>G on transcript NM_005751.5 (MANE Select); 45 bases into the intron before coding-DNA position 8020, A replaced by G.
Molecular consequence: intron variant.
Genome position (GRCh38, 1-based): chr7:92,082,477, A>G. VCF-style: chr7-92082477-A-G. GRCh37 (hg19) VCF-style: chr7-91711791-A-G.
Other names: c.7996-45A>G (NM_147185.3); c.2665-45A>G (NM_001379277.1).
Identifiers: ClinVar variation 671885 (VCV000671885.3), dbSNP rs2079082, ClinGen allele CA4337389.